The following is an entry in ClinVar:

NM_001283009.2(RTEL1):c.3547T>A (p.Ser1183Thr)

Genes: RTEL1 (regulator of telomere elongation helicase 1; plus strand), RTEL1-TNFRSF6B (RTEL1-TNFRSF6B readthrough (NMD candidate); plus strand). Cytogenetic location: 20q13.33.
Variant type: single nucleotide variant.
Coding change: c.3547T>A on transcript NM_001283009.2 (MANE Select); coding-DNA position 3547, T replaced by A.
Protein change: p.Ser1183Thr; replaces serine 1183 with threonine.
Molecular consequence: missense variant. On other transcripts: non-coding transcript variant (1).
Genome position (GRCh38, 1-based): chr20:63,695,375, T>A. VCF-style: chr20-63695375-T-A. GRCh37 (hg19) VCF-style: chr20-62326728-T-A.
Other names: c.2878T>A, p.Ser960Thr (NM_001283010.1); c.3547T>A, p.Ser1183Thr (NM_016434.4); c.3619T>A, p.Ser1207Thr (NM_032957.5); short protein forms S1207T, S1183T, S960T.
Identifiers: ClinVar variation 2149650 (VCV002149650.3), dbSNP rs745305797, ClinGen allele CA9966118.

ClinVar aggregate classification (germline): Uncertain significance. Review status: criteria provided, multiple submitters, no conflicts (2 of 4 stars). 2 submissions from 2 submitters: Uncertain significance (2). Last evaluated 2025-06-25.

Conditions:
Pulmonary fibrosis and/or bone marrow failure, Telomere-related, 3. Also called: PULMONARY FIBROSIS AND/OR BONE MARROW FAILURE SYNDROME, TELOMERE-RELATED, 3. Identifiers: Orphanet 2032, MedGen C4225346, MONDO:0014613, OMIM 616373.
Dyskeratosis congenita, autosomal recessive 5 (DKCB5). Identifiers: MedGen C3554656, MONDO:0014076, OMIM 615190.

Allele frequency attached by ClinVar (database versions not stated): gnomAD exomes below 0.00001; TOPMed below 0.00001; ExAC 0.00001.
gnomAD v4.1: 9 of 1,548,288 alleles (0.00058%); highest among the groups gnomAD compares: Middle Eastern, 0.017%; no homozygotes.

Submissions (2):

Labcorp Genetics (formerly Invitae), Labcorp
Classification: Uncertain significance for Dyskeratosis congenita, autosomal recessive 5; Pulmonary fibrosis and/or bone marrow failure, Telomere-related, 3. Last evaluated: 2025-06-25. Review status: criteria provided, single submitter. Criteria: Invitae Variant Classification Sherloc (09022015). Collection method: clinical testing. Allele origin: germline.
Comment: This sequence change replaces serine, which is neutral and polar, with threonine, which is neutral and polar, at codon 1183 of the RTEL1 protein (p.Ser1183Thr). This variant is present in population databases (rs745305797, gnomAD 0.001%). This variant has not been reported in the literature in individuals affected with RTEL1-related conditions. ClinVar contains an entry for this variant (Variation ID: 2149650). An algorithm developed to predict the effect of missense changes on protein structure and function outputs the following: PolyPhen-2: "Benign". The threonine amino acid residue is found in multiple mammalian species, which suggests that this missense change does not adversely affect protein function. In summary, the available evidence is currently insufficient to determine the role of this variant in disease. Therefore, it has been classified as a Variant of Uncertain Significance.

Blueprint Genetics
Classification: Uncertain significance. Last evaluated: 2018-05-22. Review status: criteria provided, single submitter. Criteria: ACMG Guidelines, 2015. Collection method: clinical testing. Allele origin: germline.